The following is an entry in ClinVar:

NM_003721.4(RFXANK):c.213C>T (p.Thr71=)

Gene: RFXANK (regulatory factor X associated ankyrin containing protein; plus strand). Cytogenetic location: 19p13.11.
Variant type: single nucleotide variant.
Coding change: c.213C>T on transcript NM_003721.4 (MANE Select); coding-DNA position 213, C replaced by T.
Protein change: p.Thr71=; no amino-acid change (threonine 71 retained).
Molecular consequence: synonymous variant.
Genome position (GRCh38, 1-based): chr19:19,196,988, C>T. VCF-style: chr19-19196988-C-T. GRCh37 (hg19) VCF-style: chr19-19307797-C-T.
Other names: p.Thr71=; c.213C>T, p.Thr71= (NM_001278727.2, NM_001370233.1, NM_001370234.1 and 1 more transcripts); c.210C>T, p.Thr70= (NM_001278728.2, NM_001370235.1, NM_001370236.1 and 2 more transcripts).
Identifiers: ClinVar variation 328642 (VCV000328642.19), dbSNP rs72997200, ClinGen allele CA9322637.
Genomic context (GRCh38, chr19:19,196,988, plus strand): 5'-TGAGGGGAAACTGACGCCTGTTGTCTGTTTCCCAGCAGGCAGCTCCCTGAAGCACTCCAC[C>T]ACTCTCACCAACCGGCAGCGAGGGAACGAGGTGTCAGCTCTGCCGGCCACCCTAGACTGT-3'
Protein context (NP_003712.1, residues 61-81): PQAGSSLKHS[Thr71=]TLTNRQRGNE

ClinVar aggregate classification (germline): Benign. Review status: criteria provided, multiple submitters, no conflicts (2 of 4 stars). 4 submissions from 4 submitters: Benign (4). Last evaluated 2026-02-04.

Conditions:
MHC class II deficiency. Also called: Bare lymphocyte syndrome 2; BLS, TYPE II. Identifiers: Orphanet 572, MedGen C5447452, MONDO:0008855.

Allele frequency attached by ClinVar (database versions not stated): 1000 Genomes Project 0.02875; gnomAD 0.04571 and 0.04608; 1000 Genomes Project 30x 0.02967; ExAC 0.05227; gnomAD exomes 0.05246 and 0.06278; TOPMed 0.04281; ESP Exome Variant Server 0.04559.
gnomAD v4.1: 98,728 of 1,612,860 alleles (6.1%); highest among the groups gnomAD compares: Middle Eastern, 7.4%; 3,386 homozygotes.

Submissions (4):

Labcorp Genetics (formerly Invitae), Labcorp
Classification: Benign for MHC class II deficiency. Last evaluated: 2026-02-04. Review status: criteria provided, single submitter. Criteria: Invitae Variant Classification Sherloc (09022015). Collection method: clinical testing. Allele origin: germline.

Women's Health and Genetics/Laboratory Corporation of America, LabCorp
Classification: Benign. Last evaluated: 2026-01-21. Review status: criteria provided, single submitter. Criteria: LabCorp Variant Classification Summary - May 2015. Collection method: clinical testing. Allele origin: germline.

Mayo Clinic Laboratories, Mayo Clinic
Classification: Benign. Last evaluated: 2018-03-23. Review status: criteria provided, single submitter. Criteria: ACMG Guidelines, 2015. Collection method: clinical testing. Allele origin: germline. Observed: 14 variant alleles.

Laboratory for Molecular Medicine, Mass General Brigham Personalized Medicine
Classification: Benign. Last evaluated: 2016-03-28. Review status: criteria provided, single submitter. Criteria: LMM Criteria. Collection method: clinical testing. Allele origin: germline.
Comment: Variant identified in a genome or exome case(s) and assessed due to predicted null impact of the variant or pathogenic assertions in the literature or databases. Disclaimer: This variant has not undergone full assessment. The following are preliminary notes: Frequency